The following is an entry in ClinVar:

ClinVar aggregate classification (germline): Uncertain significance. Review status: criteria provided, multiple submitters, no conflicts (2 of 4 stars). 4 submissions from 4 submitters: Uncertain significance (4). Last evaluated 2025-07-13.

Conditions:
Pheochromocytoma/paraganglioma syndrome 4. Also called: CAROTID BODY TUMORS AND MULTIPLE EXTRAADRENAL PHEOCHROMOCYTOMAS; SDHB-Related Hereditary Paraganglioma-Pheochromocytoma Syndrome (Paragangliomas 4); SDHB-Related Hereditary Paraganglioma-Pheochromocytoma Syndrome; PARAGANGLIOMA, FAMILIAL MALIGNANT; PARAGANGLIOMAS, HEREDITARY EXTRAADRENAL; PHEOCHROMOCYTOMA, FAMILIAL EXTRAADRENAL. Identifiers: Orphanet 29072, MedGen C1861848, MONDO:0007273, OMIM 115310.
Gastrointestinal stromal tumor. Also called: Gastrointestinal stromal tumor, somatic; Gastrointestinal stroma tumor. Identifiers: Orphanet 44890, MedGen C0238198, MeSH D046152, MONDO:0011719, OMIM 606764, HP:0100723.
Pheochromocytoma. Also called: MAX-Related Hereditary Paraganglioma-Pheochromocytoma Syndrome. Identifiers: Orphanet 29072, MedGen C0031511, MONDO:0008233, OMIM 171300, HP:0002666.
Hereditary cancer-predisposing syndrome. Also called: Neoplastic Syndromes, Hereditary; Tumor predisposition; Hereditary Cancer Syndrome; Hereditary neoplastic syndrome. Identifiers: Orphanet 140162, MedGen C0027672, MeSH D009386, MONDO:0015356.

Allele frequency attached by ClinVar (database versions not stated): gnomAD exomes below 0.00001; ExAC 0.00001.
gnomAD v4.1: 10 of 1,609,706 alleles (0.00062%); highest among the groups gnomAD compares: South Asian, 0.0033%; no homozygotes.

Submissions (4):

Labcorp Genetics (formerly Invitae), Labcorp
Classification: Uncertain significance for Gastrointestinal stromal tumor; Pheochromocytoma/paraganglioma syndrome 4; Pheochromocytoma. Last evaluated: 2025-07-13. Review status: criteria provided, single submitter. Criteria: Invitae Variant Classification Sherloc (09022015). Collection method: clinical testing. Allele origin: germline.
Comment: This sequence change replaces methionine, which is neutral and non-polar, with leucine, which is neutral and non-polar, at codon 213 of the SDHB protein (p.Met213Leu). This variant is present in population databases (rs770622939, gnomAD 0.0009%). This missense change has been observed in individual(s) with pheochromocytoma and/or paraganglioma (PMID: 34906457). ClinVar contains an entry for this variant (Variation ID: 826367). Invitae Evidence Modeling of protein sequence and biophysical properties (such as structural, functional, and spatial information, amino acid conservation, physicochemical variation, residue mobility, and thermodynamic stability) indicates that this missense variant is not expected to disrupt SDHB protein function with a negative predictive value of 80%. In summary, the available evidence is currently insufficient to determine the role of this variant in disease. Therefore, it has been classified as a Variant of Uncertain Significance.

Ambry Genetics
Classification: Uncertain significance for Hereditary cancer-predisposing syndrome. Last evaluated: 2024-07-09. Review status: criteria provided, single submitter. Criteria: Ambry Variant Classification Scheme 2023. Collection method: clinical testing. Allele origin: germline.
Comment: The p.M213L variant (also known as c.637A>T), located in coding exon 6 of the SDHB gene, results from an A to T substitution at nucleotide position 637. The methionine at codon 213 is replaced by leucine, an amino acid with highly similar properties. This variant has been observed in at least one individual with a personal and/or family history that is consistent with SDHB-related paraganglioma-pheochromocytoma syndrome (Ambry internal data). This amino acid position is highly conserved in available vertebrate species. In addition, this alteration is predicted to be deleterious by in silico analysis. Since supporting evidence is limited at this time, the clinical significance of this alteration remains unclear.

GeneDx
Classification: Uncertain significance. Last evaluated: 2023-10-27. Review status: criteria provided, single submitter. Criteria: GeneDx Variant Classification Process June 2021. Collection method: clinical testing. Allele origin: germline. Affected: yes.
Comment: Not observed at significant frequency in large population cohorts (gnomAD); In silico analysis supports that this missense variant does not alter protein structure/function; Observed in a cohort of individuals with pheochromocytomas and paragangliomas (PCC/PGL) in published literature (PMID: 34906457); This variant is associated with the following publications: (PMID: 34906457)

Baylor Genetics
Classification: Uncertain significance for Gastrointestinal stromal tumor. Last evaluated: 2023-10-15. Review status: criteria provided, single submitter. Criteria: ACMG Guidelines, 2015. Collection method: clinical testing. Allele origin: unknown.

Literature cited by the submitters: PubMed 34906457 (cited by Labcorp Genetics (formerly Invitae), Labcorp).

NM_003000.3(SDHB):c.637A>T (p.Met213Leu)

Gene: SDHB (succinate dehydrogenase complex iron sulfur subunit B; minus strand). Cytogenetic location: 1p36.13.
Variant type: single nucleotide variant.
Coding change: c.637A>T on transcript NM_003000.3 (MANE Select); coding-DNA position 637, A replaced by T.
Protein change: p.Met213Leu; replaces methionine 213 with leucine.
Molecular consequence: missense variant.
Genome position (GRCh38, 1-based): chr1:17,023,978, T>A on the plus strand (A>T on the coding strand, the complement: SDHB is on the minus strand). VCF-style: chr1-17023978-T-A. GRCh37 (hg19) VCF-style: chr1-17350473-T-A.
Other names: short protein forms M213L.
Identifiers: ClinVar variation 826367 (VCV000826367.15), dbSNP rs770622939, ClinGen allele CA089681.